The following is an entry in ClinVar:

ClinVar aggregate classification (germline): Uncertain significance. Review status: criteria provided, multiple submitters, no conflicts (2 of 4 stars). 2 submissions from 2 submitters: Uncertain significance (2). Last evaluated 2025-08-31.

Conditions:
Cardiovascular phenotype. Identifiers: MedGen CN230736.
Arrhythmogenic cardiomyopathy with wooly hair and keratoderma. Also called: PALMOPLANTAR KERATODERMA WITH LEFT VENTRICULAR CARDIOMYOPATHY AND WOOLLY HAIR; Carvajal syndrome; Dilated cardiomyopathy with woolly hair and keratoderma; Arrhythmogenic cardiomyopathy with woolly hair and keratoderma. Identifiers: Orphanet 65282, MedGen C1854063, MONDO:0011581, OMIM 605676.

Submissions (2):

Ambry Genetics
Classification: Uncertain significance for Cardiovascular phenotype. Last evaluated: 2025-08-31. Review status: criteria provided, single submitter. Criteria: Ambry Variant Classification Scheme 2023. Collection method: clinical testing. Allele origin: germline.
Comment: The p.F747L variant (also known as c.2239T>C), located in coding exon 16 of the DSP gene, results from a T to C substitution at nucleotide position 2239. The phenylalanine at codon 747 is replaced by leucine, an amino acid with highly similar properties. This amino acid position is conserved. In addition, this alteration is predicted to be tolerated by in silico analysis. Based on the available evidence, the clinical significance of this variant remains unclear.

All of Us Research Program, National Institutes of Health
Classification: Uncertain significance for Arrhythmogenic cardiomyopathy with wooly hair and keratoderma. Last evaluated: 2023-10-06. Review status: criteria provided, single submitter. Criteria: ACMG Guidelines, 2015. Collection method: clinical testing. Allele origin: germline. Inheritance: Autosomal dominant inheritance. Observed: 1 variant allele, 1 heterozygote.
Comment: This missense variant replaces phenylalanine with leucine at codon 747 of the DSP protein. Computational prediction suggests that this variant may not impact protein structure and function (internally defined REVEL score threshold <= 0.5, PMID: 27666373). To our knowledge, functional studies have not been reported for this variant. This variant has not been reported in individuals affected with DSP-related disorders in the literature. This variant has not been identified in the general population by the Genome Aggregation Database (gnomAD). The available evidence is insufficient to determine the role of this variant in disease conclusively. Therefore, this variant is classified as a Variant of Uncertain Significance.

This study involves interpretation of variants in research participants for the purpose of population health screening. Participant phenotype was not available at the time of variant classification. Additional details can be found in publication PMID: 35346344, PMCID: PMC8962531

NM_004415.4(DSP):c.2239T>C (p.Phe747Leu)

Gene: DSP (desmoplakin; plus strand). Cytogenetic location: 6p24.3.
Variant type: single nucleotide variant.
Coding change: c.2239T>C on transcript NM_004415.4 (MANE Select); coding-DNA position 2239, T replaced by C.
Protein change: p.Phe747Leu; replaces phenylalanine 747 with leucine.
Molecular consequence: missense variant.
Genome position (GRCh38, 1-based): chr6:7,574,194, T>C. VCF-style: chr6-7574194-T-C. GRCh37 (hg19) VCF-style: chr6-7574427-T-C.
Other names: c.2239T>C, p.Phe747Leu (NM_001008844.3, NM_001319034.2); short protein forms F747L.
Identifiers: ClinVar variation 3073727 (VCV003073727.3), dbSNP rs2533903719, ClinGen allele CA362680879.